The following is an entry in ClinVar:

ClinVar aggregate classification (germline): Uncertain significance (1 of 4 stars; one submission).

Conditions:
Progressive myoclonic epilepsy. Also called: Myoclonic Epilepsies, Progressive; Myoclonus epilepsy; Progressive myoclonus epilepsy; Familial progressive myoclonic epilepsy. Identifiers: Orphanet 308, Orphanet 98261, MedGen C0751778, MONDO:0020074.

Allele frequency attached by ClinVar (database versions not stated): gnomAD 0.00001; TOPMed 0.00001; ExAC 0.00002.
gnomAD v4.1: 40 of 1,614,096 alleles (0.0025%); highest among the groups gnomAD compares: African/African-American, 0.004%; no homozygotes.

Submission:

Labcorp Genetics (formerly Invitae), Labcorp
Classification: Uncertain significance for Progressive myoclonic epilepsy. Last evaluated: 2022-07-23. Review status: criteria provided, single submitter. Criteria: Invitae Variant Classification Sherloc (09022015). Collection method: clinical testing. Allele origin: germline.
Comment: This sequence change replaces valine, which is neutral and non-polar, with methionine, which is neutral and non-polar, at codon 264 of the EPM2A protein (p.Val264Met). This variant is present in population databases (rs200635995, gnomAD 0.003%). This variant has not been reported in the literature in individuals affected with EPM2A-related conditions. Algorithms developed to predict the effect of missense changes on protein structure and function are either unavailable or do not agree on the potential impact of this missense change (SIFT: "Deleterious"; PolyPhen-2: "Probably Damaging"; Align-GVGD: "Class C15"). In summary, the available evidence is currently insufficient to determine the role of this variant in disease. Therefore, it has been classified as a Variant of Uncertain Significance.

NM_005670.4(EPM2A):c.790G>A (p.Val264Met)

Gene: EPM2A (EPM2A glucan phosphatase, laforin; minus strand). Cytogenetic location: 6q24.3.
Variant type: single nucleotide variant.
Coding change: c.790G>A on transcript NM_005670.4 (MANE Select); coding-DNA position 790, G replaced by A.
Protein change: p.Val264Met; replaces valine 264 with methionine.
Molecular consequence: missense variant. On other transcripts: non-coding transcript variant (1).
Genome position (GRCh38, 1-based): chr6:145,627,622, C>T on the plus strand (G>A on the coding strand, the complement: EPM2A is on the minus strand). VCF-style: chr6-145627622-C-T. GRCh37 (hg19) VCF-style: chr6-145948758-C-T.
Other names: c.790G>A, p.Val264Met (NM_001018041.2); c.548G>A, p.Arg183His (NM_001360057.2); c.376G>A, p.Val126Met (NM_001360064.2, NM_001360071.2, NM_001368131.1); c.328G>A, p.Val110Met (NM_001368129.2, NM_001368132.1); short protein forms R183H, V110M, V126M, V264M.
Identifiers: ClinVar variation 2198488 (VCV002198488.1), dbSNP rs200635995, ClinGen allele CA4035078.